The following is an entry in ClinVar:

ClinVar aggregate classification (germline): Uncertain significance (1 of 4 stars; one submission).

Allele frequency attached by ClinVar (database versions not stated): ExAC 0.00002.
gnomAD v4.1: 17 of 1,614,208 alleles (0.0011%); highest among the groups gnomAD compares: East Asian, 0.0067%; no homozygotes.

Submission:

Labcorp Genetics (formerly Invitae), Labcorp
Classification: Uncertain significance. Last evaluated: 2021-02-24. Review status: criteria provided, single submitter. Criteria: Invitae Variant Classification Sherloc (09022015). Collection method: clinical testing. Allele origin: germline.
Comment: This sequence change replaces serine with threonine at codon 735 of the ADAMTS18 protein (p.Ser735Thr). The serine residue is weakly conserved and there is a small physicochemical difference between serine and threonine. This variant is present in population databases (rs775380561, ExAC 0.005%). This variant has not been reported in the literature in individuals with ADAMTS18-related conditions. Algorithms developed to predict the effect of missense changes on protein structure and function are either unavailable or do not agree on the potential impact of this missense change (SIFT: "Not Available"; PolyPhen-2: "Benign"; Align-GVGD: "Not Available"). In summary, the available evidence is currently insufficient to determine the role of this variant in disease. Therefore, it has been classified as a Variant of Uncertain Significance.

NM_199355.4(ADAMTS18):c.2203T>A (p.Ser735Thr)

Gene: ADAMTS18 (ADAM metallopeptidase with thrombospondin type 1 motif 18; minus strand). Cytogenetic location: 16q23.1.
Variant type: single nucleotide variant.
Coding change: c.2203T>A on transcript NM_199355.4 (MANE Select); coding-DNA position 2203, T replaced by A.
Protein change: p.Ser735Thr; replaces serine 735 with threonine.
Molecular consequence: missense variant.
Genome position (GRCh38, 1-based): chr16:77,321,163, A>T on the plus strand (T>A on the coding strand, the complement: ADAMTS18 is on the minus strand). VCF-style: chr16-77321163-A-T. GRCh37 (hg19) VCF-style: chr16-77355060-A-T.
Other names: c.1687T>A, p.Ser563Thr (NM_001326358.2); short protein forms S735T, S563T.
Identifiers: ClinVar variation 1488150 (VCV001488150.6), dbSNP rs775380561, ClinGen allele CA8180999.
Genomic context (GRCh38, chr16:77,321,163, plus strand): 5'-ACAGGCCTTTATAAAACTTGCAAGTTGAATTATCACCTTTGCAAACGCCACAAGCATCTG[A>T]AACTGCTTTAGAGCCTAGTTCATGATCACATCCCACTAGCTGTGACAAAAACAAAAAACG-3'
Protein context (NP_955387.1, residues 725-745): CDHELGSKAV[Ser735Thr]DACGVCKGDN